The following is an entry in ClinVar:

ClinVar aggregate classification (germline): Likely benign (1 of 4 stars; one submission).

gnomAD v4.1: 6 of 1,599,242 alleles (0.00038%); highest among the groups gnomAD compares: Non-Finnish European, 0.00051%; no homozygotes.

Submission:

CeGaT Center for Human Genetics Tuebingen
Classification: Likely benign. Last evaluated: 2024-07-01. Review status: criteria provided, single submitter. Criteria: CeGaT Center For Human Genetics Tuebingen Variant Classification Criteria Version 2. Collection method: clinical testing. Allele origin: germline. Affected: yes. Observed: 1 variant allele.
Comment: IQSEC1: PM2:Supporting, BP4, BP7

NM_001134382.3(IQSEC1):c.1062G>A (p.Gln354=)

Gene: IQSEC1 (IQ motif and Sec7 domain ArfGEF 1; minus strand). Cytogenetic location: 3p25.2.
Variant type: single nucleotide variant.
Coding change: c.1062G>A on transcript NM_001134382.3 (MANE Select); coding-DNA position 1062, G replaced by A.
Protein change: p.Gln354=; no amino-acid change (glutamine 354 retained).
Molecular consequence: synonymous variant.
Genome position (GRCh38, 1-based): chr3:12,935,954, C>T on the plus strand (G>A on the coding strand, the complement: IQSEC1 is on the minus strand). VCF-style: chr3-12935954-C-T. GRCh37 (hg19) VCF-style: chr3-12977454-C-T.
Other names: c.738G>A, p.Gln246= (NM_001330619.3); c.1386G>A, p.Gln462= (NM_001376938.2); c.1104G>A, p.Gln368= (NM_014869.8).
Identifiers: ClinVar variation 3257067 (VCV003257067.17).